The following is an entry in ClinVar:

ClinVar aggregate classification (germline): Benign/Likely benign. Review status: criteria provided, multiple submitters, no conflicts (2 of 4 stars). 11 submissions from 11 submitters: Benign (6); Likely benign (3). 2 of the submissions do not count toward it. Last evaluated 2026-07-01.

Conditions:
PKD1-related disorder. Also called: PKD1-related condition.
Polycystic kidney disease, adult type (PKD1). Also called: POLYCYSTIC KIDNEY DISEASE, ADULT, TYPE I; Polycystic Kidney, Autosomal Dominant; Polycystic Kidney Disease 1, Autosomal Dominant; Polycystic kidney disease 1; Polycystic kidney disease 1, severe; POLYCYSTIC KIDNEY DISEASE 1 WITH OR WITHOUT POLYCYSTIC LIVER DISEASE. Identifiers: MedGen C3149841, MONDO:0008263, OMIM 173900.
Polycystic kidney disease. Also called: Kidney, Polycystic; Polycystic kidney dysplasia. Identifiers: MedGen C0022680, MeSH D007690, MONDO:0020642, HP:0000113.

Allele frequency attached by ClinVar (database versions not stated): 1000 Genomes Project 30x 0.00281; ESP Exome Variant Server 0.00337; 1000 Genomes Project 0.00339; TOPMed 0.00382; gnomAD 0.00775.
gnomAD v4.1: 9,838 of 1,540,920 alleles (0.64%); highest among the groups gnomAD compares: Non-Finnish European, 0.69%; 44 homozygotes.

Submissions (11):

CeGaT Center for Human Genetics Tuebingen
Classification: Likely benign. Last evaluated: 2026-07-01. Review status: criteria provided, single submitter. Criteria: CeGaT Center For Human Genetics Tuebingen Variant Classification Criteria Version 2. Collection method: clinical testing. Allele origin: germline. Affected: yes. Observed: 15 variant alleles.
Comment: PKD1: BP4, BP7, BS2

Women's Health and Genetics/Laboratory Corporation of America, LabCorp
Classification: Benign. Last evaluated: 2026-01-30. Review status: criteria provided, single submitter. Criteria: LabCorp Variant Classification Summary - May 2015. Collection method: clinical testing. Allele origin: germline.

Blueprint Genetics
Classification: Benign. Last evaluated: 2024-11-27. Review status: criteria provided, single submitter. Criteria: ACMG Guidelines, 2015. Collection method: clinical testing. Allele origin: germline.

Mayo Clinic Laboratories, Mayo Clinic
Classification: Benign. Last evaluated: 2023-03-16. Review status: criteria provided, single submitter. Criteria: ACMG Guidelines, 2015. Collection method: clinical testing. Allele origin: germline. Observed: 12 variant alleles.
Comment: BS1, BS2, BP4, BP7

Fulgent Genetics
Classification: Likely benign for Polycystic kidney disease, adult type. Last evaluated: 2021-09-23. Review status: criteria provided, single submitter. Criteria: ACMG Guidelines, 2015. Collection method: clinical testing. Allele origin: unknown.

GeneDx
Classification: Likely benign. Last evaluated: 2020-12-18. Review status: criteria provided, single submitter. Criteria: GeneDx Variant Classification Process June 2021. Collection method: clinical testing. Allele origin: germline. Affected: yes.

ARUP Laboratories, Molecular Genetics and Genomics, ARUP Laboratories
Classification: Benign for Polycystic kidney disease, adult type. Last evaluated: 2020-04-01. Review status: criteria provided, single submitter. Criteria: ARUP Molecular Germline Variant Investigation Process. Collection method: clinical testing. Allele origin: germline.

Athena Diagnostics
Classification: Benign for Polycystic kidney disease, adult type. Last evaluated: 2017-05-23. Review status: criteria provided, single submitter. Criteria: Athena Diagnostics Criteria. Collection method: clinical testing. Allele origin: germline.

Eurofins Ntd Llc (ga)
Classification: Benign. Last evaluated: 2017-02-01. Review status: criteria provided, single submitter. Criteria: EGL Classification Definitions 2015. Collection method: clinical testing. Allele origin: germline. Observed: 1 variant allele, 1 heterozygote.

PreventionGenetics, part of Exact Sciences
Classification: Benign for PKD1-related condition. Last evaluated: 2019-06-20. Review status: no assertion criteria provided. Collection method: clinical testing. Allele origin: germline. Not counted in ClinVar's aggregate classification.
Comment: This variant is classified as benign based on ACMG/AMP sequence variant interpretation guidelines (Richards et al. 2015 PMID: 25741868, with internal and published modifications).

Department of Pathology and Laboratory Medicine, Sinai Health System
Classification: Benign for Polycystic Kidney disease. Review status: no assertion criteria provided. Collection method: clinical testing. Allele origin: unknown. Affected: yes. Study: The Canadian Open Genetics Repository (COGR). Not counted in ClinVar's aggregate classification.
Comment: The PKD1 p.His570His variant was identified in 8 of 860 proband chromosomes (frequency: 0.009) from individuals or families with ADPKD (Rossetti 2001, Rossetti 2002, Rossetti 2012, Garcia-Gonzalez 2007). The variant was also identified in dbSNP (ID: rs367983387) as â€šÃ„ÃºNAâ€šÃ„Ã¹, Clinvitae (classified as variant of unknown significance by Emory Genetics), and in the ADPKD Mutation Database (classification likely neutral); in the 1000 Genomes Project in 17 of 5000 chromosomes (frequency: 0.0034), in HAP-MAP: HAPMAP-EUR in 15 of 1006 chromosomes (frequency: 0.0149), HAPMAP-AMR in 1 of 694 chromosomes (frequency: 0.0014), HAPMAP-EAS in 1 of 1008 chromosomes (frequency: 0.001), NHLBI GO Exome Sequencing Project (ESP) in 40 of 8462 (frequency: 0.0047) European American, and in 3 of 4308 (frequency: 0.0007) African American alleles. The variant was also identified in the Exome Aggregation Consortium database (March 14, 2016) in 19 of 130 chromosomes (frequency: 0.1462) from a population of European (Finnish) individuals, in 164 (2 homozygous) of 7450 chromosomes (frequency: 0.02201) from a population of European (Non-Finnish) individuals, in 34 of 8056 chromosomes (frequency: 0.0042) from a population of South Asians, and in 3 of 1762 chromosomes (frequency: 0.0017) from a population of African individuals, increasing the likelihood this could be a low frequency benign variant. The variant was not seen in the East Asian, Other or Latino poulations. The p.His570His variant is not expected to have clinical significance because it does not result in a change of amino acid and is not located in a known consensus splice site. In addition, in silico or computational prediction software programs (SpliceSiteFinder, MaxEntScan, NNSPLICE, GeneSplicer, HumanSpliceFinder) do not predict a difference in splicing. In summary, based on the above information, this variant meets our laboratory criteria to be classified as benign.

NM_001009944.3(PKD1):c.1710C>T (p.His570=)

Gene: PKD1 (polycystin 1, transient receptor potential channel interacting; minus strand). Cytogenetic location: 16p13.3.
Variant type: single nucleotide variant.
Coding change: c.1710C>T on transcript NM_001009944.3 (MANE Select); coding-DNA position 1710, C replaced by T.
Protein change: p.His570=; no amino-acid change (histidine 570 retained).
Molecular consequence: synonymous variant.
Genome position (GRCh38, 1-based): chr16:2,116,541, G>A on the plus strand (C>T on the coding strand, the complement: PKD1 is on the minus strand). VCF-style: chr16-2116541-G-A. GRCh37 (hg19) VCF-style: chr16-2166542-G-A.
Other names: p.His570=; c.1710C>T, p.His570= (NM_000296.4).
Identifiers: ClinVar variation 256926 (VCV000256926.47), dbSNP rs367983387, ClinGen allele CA7833444.
Genomic context (GRCh38, chr16:2,116,541, plus strand): 5'-CCAGGGGCAGGCAGGAGGGCAGGTTGTAGAACGTGGGGGGCCGACTACCTCCACGGGCTC[G>A]TGCGGGGCTGAGAGGCCGTCCTGCTGTGCCAGAGGCGTCAGGGGTCCCTGCAGGTCCCCA-3'
Protein context (NP_001009944.3, residues 560-580): LAQQDGLSAP[His570=]EPVEVMVFPG